The following is an entry in ClinVar:

ClinVar aggregate classification (germline): Likely benign (1 of 4 stars; one submission).

Allele frequency attached by ClinVar (database versions not stated): gnomAD 0.00090; TOPMed 0.00092; ESP Exome Variant Server 0.00100; ExAC 0.00107.
gnomAD v4.1: 1,944 of 1,614,142 alleles (0.12%); highest among the groups gnomAD compares: Non-Finnish European, 0.15%; 2 homozygotes.

Submission:

CeGaT Center for Human Genetics Tuebingen
Classification: Likely benign. Last evaluated: 2023-12-01. Review status: criteria provided, single submitter. Criteria: CeGaT Center For Human Genetics Tuebingen Variant Classification Criteria Version 2. Collection method: clinical testing. Allele origin: germline. Affected: yes. Observed: 1 variant allele.
Comment: MDM4: BP4, BP7

NM_002393.5(MDM4):c.1077C>A (p.Val359=)

Gene: MDM4 (MDM4 regulator of p53; plus strand). Cytogenetic location: 1q32.1.
Variant type: single nucleotide variant.
Coding change: c.1077C>A on transcript NM_002393.5 (MANE Select); coding-DNA position 1077, C replaced by A.
Protein change: p.Val359=; no amino-acid change (valine 359 retained).
Molecular consequence: synonymous variant. On other transcripts: 3 prime UTR variant (2).
Genome position (GRCh38, 1-based): chr1:204,549,286, C>A. VCF-style: chr1-204549286-C-A. GRCh37 (hg19) VCF-style: chr1-204518414-C-A.
Other names: c.927C>A, p.Val309= (NM_001204171.2); c.99C>A, p.Val33= (NM_001204172.2); c.*586C>A (NM_001278516.2); c.783C>A, p.Val261= (NM_001278517.2); c.*247C>A (NM_001278518.2); c.408C>A, p.Val136= (NM_001278519.2).
Identifiers: ClinVar variation 3024907 (VCV003024907.22), dbSNP rs139541595, ClinGen allele CA1348847.